The following is an entry in ClinVar:

ClinVar aggregate classification (germline): Benign/Likely benign. Review status: criteria provided, multiple submitters, no conflicts (2 of 4 stars). 5 submissions from 5 submitters: Benign (1); Likely benign (3). 1 of the submissions does not count toward it. Last evaluated 2026-09-01.

Conditions:
CCDC8-related disorder. Also called: CCDC8-related condition.

Allele frequency attached by ClinVar (database versions not stated): 1000 Genomes Project 0.00020; ESP Exome Variant Server 0.00038; 1000 Genomes Project 30x 0.00016.
gnomAD v4.1: 656 of 1,614,186 alleles (0.041%); highest among the groups gnomAD compares: Middle Eastern, 0.25%; 1 homozygote.

Submissions (5):

CeGaT Center for Human Genetics Tuebingen
Classification: Likely benign. Last evaluated: 2026-09-01. Review status: criteria provided, single submitter. Criteria: CeGaT Center For Human Genetics Tuebingen Variant Classification Criteria Version 2. Collection method: clinical testing. Allele origin: germline. Affected: yes. Observed: 1 variant allele.
Comment: CCDC8: BP4, BP7

Labcorp Genetics (formerly Invitae), Labcorp
Classification: Benign. Last evaluated: 2026-01-25. Review status: criteria provided, single submitter. Criteria: Invitae Variant Classification Sherloc (09022015). Collection method: clinical testing. Allele origin: germline.

Women's Health and Genetics/Laboratory Corporation of America, LabCorp
Classification: Likely benign. Last evaluated: 2026-01-13. Review status: criteria provided, single submitter. Criteria: LabCorp Variant Classification Summary - May 2015. Collection method: clinical testing. Allele origin: germline.

Blueprint Genetics
Classification: Likely benign. Last evaluated: 2024-11-15. Review status: criteria provided, single submitter. Criteria: ACMG Guidelines, 2015. Collection method: clinical testing. Allele origin: germline.

PreventionGenetics, part of Exact Sciences
Classification: Likely benign for CCDC8-related condition. Last evaluated: 2019-11-05. Review status: no assertion criteria provided. Collection method: clinical testing. Allele origin: germline. Not counted in ClinVar's aggregate classification.
Comment: This variant is classified as likely benign based on ACMG/AMP sequence variant interpretation guidelines (Richards et al. 2015 PMID: 25741868, with internal and published modifications).

NM_032040.5(CCDC8):c.1455C>T (p.Arg485=)

Gene: CCDC8 (coiled-coil domain containing 8 subunit of 3M complex; minus strand). Cytogenetic location: 19q13.32.
Variant type: single nucleotide variant.
Coding change: c.1455C>T on transcript NM_032040.5 (MANE Select); coding-DNA position 1455, C replaced by T.
Protein change: p.Arg485=; no amino-acid change (arginine 485 retained).
Molecular consequence: synonymous variant.
Genome position (GRCh38, 1-based): chr19:46,411,356, G>A on the plus strand (C>T on the coding strand, the complement: CCDC8 is on the minus strand). VCF-style: chr19-46411356-G-A. GRCh37 (hg19) VCF-style: chr19-46914613-G-A.
Other names: c.1455C>T (NM_032040.4).
Identifiers: ClinVar variation 1609419 (VCV001609419.13), dbSNP rs200336737, ClinGen allele CA9528480.